The following is an entry in ClinVar:

NM_005173.4(ATP2A3):c.2103T>C (p.Thr701=)

Gene: ATP2A3 (ATPase sarcoplasmic/endoplasmic reticulum Ca2+ transporting 3; minus strand). Cytogenetic location: 17p13.2.
Variant type: single nucleotide variant.
Coding change: c.2103T>C on transcript NM_005173.4 (MANE Select); coding-DNA position 2103, T replaced by C.
Protein change: p.Thr701=; no amino-acid change (threonine 701 retained).
Molecular consequence: synonymous variant.
Genome position (GRCh38, 1-based): chr17:3,937,634, A>G on the plus strand (T>C on the coding strand, the complement: ATP2A3 is on the minus strand). VCF-style: chr17-3937634-A-G. GRCh37 (hg19) VCF-style: chr17-3840928-A-G.
Other names: c.2103T>C, p.Thr701= (NM_174953.3, NM_174954.3, NM_174955.3 and 3 more transcripts).
Identifiers: ClinVar variation 3059069 (VCV003059069.2), dbSNP rs3179783, ClinGen allele CA8296955.

ClinVar aggregate classification (germline): Benign (0 of 4 stars; one submission).

Conditions:
ATP2A3-related disorder. Also called: ATP2A3-related condition.

Allele frequency attached by ClinVar (database versions not stated): ExAC 0.20209; 1000 Genomes Project 0.20747; 1000 Genomes Project 30x 0.20940; gnomAD 0.21831; TOPMed 0.23009; ESP Exome Variant Server 0.24189.
gnomAD v4.1: 300,464 of 1,613,076 alleles (19%); highest among the groups gnomAD compares: African/African-American, 33%; 29,657 homozygotes.

Submission:

PreventionGenetics, part of Exact Sciences
Classification: Benign for ATP2A3-related condition. Last evaluated: 2019-10-28. Review status: no assertion criteria provided. Collection method: clinical testing. Allele origin: germline.
Comment: This variant is classified as benign based on ACMG/AMP sequence variant interpretation guidelines (Richards et al. 2015 PMID: 25741868, with internal and published modifications).